The following is an entry in ClinVar:

ClinVar aggregate classification (germline): Likely benign. Review status: criteria provided, single submitter (1 of 4 stars). 2 submissions from 2 submitters: Likely benign (1). 1 of the submissions does not count toward it. Last evaluated 2025-06-12.

Conditions:
KANK2-related disorder. Also called: KANK2-related condition.

Allele frequency attached by ClinVar (database versions not stated): gnomAD exomes 0.00001; ExAC 0.00003; TOPMed 0.00005; gnomAD 0.00007; ESP Exome Variant Server 0.00008.

Submissions (2):

Labcorp Genetics (formerly Invitae), Labcorp
Classification: Likely benign. Last evaluated: 2025-06-12. Review status: criteria provided, single submitter. Criteria: Invitae Variant Classification Sherloc (09022015). Collection method: clinical testing. Allele origin: germline.

PreventionGenetics, part of Exact Sciences
Classification: Likely benign for KANK2-related condition. Last evaluated: 2022-12-19. Review status: no assertion criteria provided. Collection method: clinical testing. Allele origin: germline. Not counted in ClinVar's aggregate classification.
Comment: This variant is classified as likely benign based on ACMG/AMP sequence variant interpretation guidelines (Richards et al. 2015 PMID: 25741868, with internal and published modifications).

NM_001136191.3(KANK2):c.2313C>T (p.Asp771=)

Gene: KANK2 (KN motif and ankyrin repeat domains 2; minus strand). Cytogenetic location: 19p13.2.
Variant type: single nucleotide variant.
Coding change: c.2313C>T on transcript NM_001136191.3 (MANE Select); coding-DNA position 2313, C replaced by T.
Protein change: p.Asp771=; no amino-acid change (aspartic acid 771 retained).
Molecular consequence: synonymous variant.
Genome position (GRCh38, 1-based): chr19:11,170,147, G>A on the plus strand (C>T on the coding strand, the complement: KANK2 is on the minus strand). VCF-style: chr19-11170147-G-A. GRCh37 (hg19) VCF-style: chr19-11280823-G-A.
Other names: c.2337C>T (NM_015493.6); c.2313C>T, p.Asp771= (NM_001329451.2, NM_001379555.1, NM_001379556.1 and 7 more transcripts); c.2337C>T, p.Asp779= (NM_001379548.1, NM_001379549.1, NM_001379550.1 and 5 more transcripts).
Identifiers: ClinVar variation 2901169 (VCV002901169.5), dbSNP rs146928170, ClinGen allele CA9205308.